The following is an entry in ClinVar:

ClinVar aggregate classification (germline): Likely benign (1 of 4 stars; one submission).

Submission:

GeneDx
Classification: Likely benign. Last evaluated: 2016-05-03. Review status: criteria provided, single submitter. Criteria: GeneDx Variant Classification (06012015). Collection method: clinical testing. Allele origin: germline. Affected: yes.
Comment: This variant is considered likely benign or benign based on one or more of the following criteria: it is a conservative change, it occurs at a poorly conserved position in the protein, it is predicted to be benign by multiple in silico algorithms, and/or has population frequency not consistent with disease.

NM_177550.5(SLC13A5):c.90G>T (p.Leu30=)

Gene: SLC13A5 (solute carrier family 13 member 5; minus strand). Cytogenetic location: 17p13.1.
Variant type: single nucleotide variant.
Coding change: c.90G>T on transcript NM_177550.5 (MANE Select); coding-DNA position 90, G replaced by T.
Protein change: p.Leu30=; no amino-acid change (leucine 30 retained).
Molecular consequence: synonymous variant.
Genome position (GRCh38, 1-based): chr17:6,713,244, C>A on the plus strand (G>T on the coding strand, the complement: SLC13A5 is on the minus strand). VCF-style: chr17-6713244-C-A. GRCh37 (hg19) VCF-style: chr17-6616563-C-A.
Other names: c.90G>T, p.Leu30= (NM_001143838.3, NM_001284509.2, NM_001284510.2).
Identifiers: ClinVar variation 385697 (VCV000385697.1), dbSNP rs758719176, ClinGen allele CA16607823.